The following is an entry in ClinVar:

NM_001355436.2(SPTB):c.40C>T (p.Pro14Ser)

Gene: SPTB (spectrin beta, erythrocytic; minus strand). Cytogenetic location: 14q23.3.
Variant type: single nucleotide variant.
Coding change: c.40C>T on transcript NM_001355436.2 (MANE Select); coding-DNA position 40, C replaced by T.
Protein change: p.Pro14Ser; replaces proline 14 with serine.
Molecular consequence: missense variant.
Genome position (GRCh38, 1-based): chr14:64,823,055, G>A on the plus strand (C>T on the coding strand, the complement: SPTB is on the minus strand). VCF-style: chr14-64823055-G-A. GRCh37 (hg19) VCF-style: chr14-65289773-G-A.
Other names: p.Pro14Ser; c.40C>T (NM_001355436.1, NM_001024858.2); c.40C>T, p.Pro14Ser (NM_001024858.4, NM_001355437.2); short protein forms P14S.
Identifiers: ClinVar variation 1298586 (VCV001298586.45), dbSNP rs147059670, ClinGen allele CA7231561.

ClinVar aggregate classification (germline): Conflicting classifications of pathogenicity. Review status: criteria provided, conflicting classifications (1 of 4 stars). 6 submissions from 6 submitters: Uncertain significance (1); Benign (2); Likely benign (2). 1 of the submissions does not count toward it. Last evaluated 2026-04-01.

Conditions:
SPTB-related disorder. Also called: SPTB-Related Disorders; SPTB-related condition.

Allele frequency attached by ClinVar (database versions not stated): 1000 Genomes Project 30x 0.00016; 1000 Genomes Project 0.00020; ESP Exome Variant Server 0.00100; TOPMed 0.00109; ExAC 0.00119; gnomAD exomes 0.00127; gnomAD 0.00146 and 0.00150.
gnomAD v4.1: 1,995 of 1,614,170 alleles (0.12%); highest among the groups gnomAD compares: Non-Finnish European, 0.14%; 11 homozygotes.

Submissions (6):

CeGaT Center for Human Genetics Tuebingen
Classification: Likely benign. Last evaluated: 2026-04-01. Review status: criteria provided, single submitter. Criteria: CeGaT Center For Human Genetics Tuebingen Variant Classification Criteria Version 2. Collection method: clinical testing. Allele origin: germline. Affected: yes. Observed: 6 variant alleles.
Comment: SPTB: BP4, BS4

Labcorp Genetics (formerly Invitae), Labcorp
Classification: Benign. Last evaluated: 2025-11-19. Review status: criteria provided, single submitter. Criteria: Invitae Variant Classification Sherloc (09022015). Collection method: clinical testing. Allele origin: germline.

ARUP Laboratories, Molecular Genetics and Genomics, ARUP Laboratories
Classification: Benign. Last evaluated: 2025-04-28. Review status: criteria provided, single submitter. Criteria: ARUP Molecular Germline Variant Investigation Process 2024. Collection method: clinical testing. Allele origin: germline.

Blueprint Genetics
Classification: Likely benign. Last evaluated: 2024-10-17. Review status: criteria provided, single submitter. Criteria: ACMG Guidelines, 2015. Collection method: clinical testing. Allele origin: germline.

Mayo Clinic Laboratories, Mayo Clinic
Classification: Uncertain significance. Last evaluated: 2022-05-16. Review status: criteria provided, single submitter. Criteria: ACMG Guidelines, 2015. Collection method: clinical testing. Allele origin: germline. Observed: 1 variant allele.
Comment: BP4

PreventionGenetics, part of Exact Sciences
Classification: Likely benign for SPTB-related condition. Last evaluated: 2022-08-18. Review status: no assertion criteria provided. Collection method: clinical testing. Allele origin: germline. Not counted in ClinVar's aggregate classification.
Comment: This variant is classified as likely benign based on ACMG/AMP sequence variant interpretation guidelines (Richards et al. 2015 PMID: 25741868, with internal and published modifications).